The following is an entry in ClinVar:

NM_017415.3(KLHL3):c.*2404C>A

Gene: KLHL3 (kelch like family member 3; minus strand). Cytogenetic location: 5q31.2.
Variant type: single nucleotide variant.
Coding change: c.*2404C>A on transcript NM_017415.3 (MANE Select); 2404 bases downstream of the stop codon, C replaced by A.
Molecular consequence: 3 prime UTR variant.
Genome position (GRCh38, 1-based): chr5:137,619,694, G>T on the plus strand (C>A on the coding strand, the complement: KLHL3 is on the minus strand). VCF-style: chr5-137619694-G-T. GRCh37 (hg19) VCF-style: chr5-136955383-G-T.
Other names: c.*2404C>A (NM_001257194.1, NM_001257195.2).
Identifiers: ClinVar variation 350950 (VCV000350950.8), dbSNP rs3813316, ClinGen allele CA10620224.

ClinVar aggregate classification (germline): Benign. Review status: criteria provided, multiple submitters, no conflicts (2 of 4 stars). 2 submissions from 2 submitters: Benign (2). Last evaluated 2021-05-13.

Conditions:
Pseudohypoaldosteronism type 2D (PHA2D). Also called: FAMILIAL HYPERKALEMIC HYPERTENSION; PSEUDOHYPOALDOSTERONISM, TYPE IID, AUTOSOMAL DOMINANT OR RECESSIVE; Pseudohypoaldosteronism Type IID. Identifiers: Orphanet 300525, Orphanet 757, MedGen C3469605, MONDO:0013781, OMIM 614495.

Allele frequency attached by ClinVar (database versions not stated): gnomAD 0.05943 and 0.06825; gnomAD exomes 0.06890; TOPMed 0.07146; 1000 Genomes Project 30x 0.14101; 1000 Genomes Project 0.14637.
gnomAD v4.1: 10,372 of 152,780 alleles (6.8%); highest among the groups gnomAD compares: East Asian, 36%; 762 homozygotes.

Submissions (2):

GeneDx
Classification: Benign. Last evaluated: 2021-05-13. Review status: criteria provided, single submitter. Criteria: GeneDx Variant Classification Process June 2021. Collection method: clinical testing. Allele origin: germline. Affected: yes.

Illumina Laboratory Services, Illumina
Classification: Benign for Pseudohypoaldosteronism type 2D. Last evaluated: 2018-01-12. Review status: criteria provided, single submitter. Criteria: ICSL Variant Classification Criteria 13 December 2019. Collection method: clinical testing. Allele origin: germline.
Comment: This variant was observed in the ICSL laboratory as part of a predisposition screen in an ostensibly healthy population. It had not been previously curated by ICSL or reported in the Human Gene Mutation Database (HGMD: prior to June 1st, 2018), and was therefore a candidate for classification through an automated scoring system. Utilizing variant allele frequency, disease prevalence and penetrance estimates, and inheritance mode, an automated score was calculated to assess if this variant is too frequent to cause the disease. Based on the score and internal cut-off values, a variant classified as benign is not then subjected to further curation. The score for this variant resulted in a classification of benign for this disease.